The following is an entry in ClinVar:

ClinVar aggregate classification (germline): Uncertain significance (1 of 4 stars; one submission).

Allele frequency attached by ClinVar (database versions not stated): gnomAD exomes below 0.00001.
gnomAD v4.1: 1 of 1,613,836 alleles (0.000062%); highest among the groups gnomAD compares: Non-Finnish European, 0.000085%; no homozygotes.

Submission:

Labcorp Genetics (formerly Invitae), Labcorp
Classification: Uncertain significance. Last evaluated: 2024-04-29. Review status: criteria provided, single submitter. Criteria: Invitae Variant Classification Sherloc (09022015). Collection method: clinical testing. Allele origin: germline.
Comment: This sequence change replaces proline, which is neutral and non-polar, with alanine, which is neutral and non-polar, at codon 909 of the DCHS1 protein (p.Pro909Ala). This variant is not present in population databases (gnomAD no frequency). This variant has not been reported in the literature in individuals affected with DCHS1-related conditions. Advanced modeling of protein sequence and biophysical properties (such as structural, functional, and spatial information, amino acid conservation, physicochemical variation, residue mobility, and thermodynamic stability) performed at Invitae indicates that this missense variant is not expected to disrupt DCHS1 protein function with a negative predictive value of 95%. In summary, the available evidence is currently insufficient to determine the role of this variant in disease. Therefore, it has been classified as a Variant of Uncertain Significance.

NM_003737.4(DCHS1):c.2725C>G (p.Pro909Ala)

Gene: DCHS1 (dachsous cadherin-related 1; minus strand). Cytogenetic location: 11p15.4.
Variant type: single nucleotide variant.
Coding change: c.2725C>G on transcript NM_003737.4 (MANE Select); coding-DNA position 2725, C replaced by G.
Protein change: p.Pro909Ala; replaces proline 909 with alanine.
Molecular consequence: missense variant.
Genome position (GRCh38, 1-based): chr11:6,632,787, G>C on the plus strand (C>G on the coding strand, the complement: DCHS1 is on the minus strand). VCF-style: chr11-6632787-G-C. GRCh37 (hg19) VCF-style: chr11-6654018-G-C.
Other names: short protein forms P909A.
Identifiers: ClinVar variation 2825054 (VCV002825054.3), dbSNP rs369956723, ClinGen allele CA379419539.